The following is an entry in ClinVar:

ClinVar aggregate classification (germline): Uncertain significance. Review status: criteria provided, multiple submitters, no conflicts (2 of 4 stars). 4 submissions from 4 submitters: Uncertain significance (4). Last evaluated 2026-08-05.

Conditions:
CDH23-related disorder. Also called: CDH23-related condition; CDH23-related disorders.
Inborn genetic diseases. Identifiers: MedGen C0950123, MeSH D030342.

Allele frequency attached by ClinVar (database versions not stated): gnomAD exomes 0.00002.
gnomAD v4.1: 30 of 1,609,388 alleles (0.0019%); highest among the groups gnomAD compares: Non-Finnish European, 0.0025%; no homozygotes.

Submissions (4):

PreventionGenetics, part of Exact Sciences
Classification: Uncertain significance for CDH23-related condition. Last evaluated: 2026-08-05. Review status: criteria provided, single submitter. Criteria: ACMG Guidelines, 2015. Collection method: clinical testing. Allele origin: germline.
Comment: The CDH23 c.8521G>A variant is predicted to result in the amino acid substitution p.Asp2841Asn. To our knowledge, this variant has not been reported in the literature. This variant is reported in 0.00092% of alleles in individuals of European (Non-Finnish) descent in gnomAD. At this time, the clinical significance of this variant is uncertain due to the absence of conclusive functional and genetic evidence.

CeGaT Center for Human Genetics Tuebingen
Classification: Uncertain significance. Last evaluated: 2025-10-01. Review status: criteria provided, single submitter. Criteria: CeGaT Center For Human Genetics Tuebingen Variant Classification Criteria Version 2. Collection method: clinical testing. Allele origin: germline. Affected: yes. Observed: 1 variant allele.
Comment: CDH23: PM2, PM3:Supporting

Labcorp Genetics (formerly Invitae), Labcorp
Classification: Uncertain significance. Last evaluated: 2025-01-20. Review status: criteria provided, single submitter. Criteria: Invitae Variant Classification Sherloc (09022015). Collection method: clinical testing. Allele origin: germline.
Comment: This sequence change replaces aspartic acid, which is acidic and polar, with asparagine, which is neutral and polar, at codon 2841 of the CDH23 protein (p.Asp2841Asn). This variant is present in population databases (no rsID available, gnomAD 0.0009%). This variant has not been reported in the literature in individuals affected with CDH23-related conditions. ClinVar contains an entry for this variant (Variation ID: 2337444). Invitae Evidence Modeling of protein sequence and biophysical properties (such as structural, functional, and spatial information, amino acid conservation, physicochemical variation, residue mobility, and thermodynamic stability) has been performed for this missense variant. However, the output from this modeling did not meet the statistical confidence thresholds required to predict the impact of this variant on CDH23 protein function. In summary, the available evidence is currently insufficient to determine the role of this variant in disease. Therefore, it has been classified as a Variant of Uncertain Significance.

Ambry Genetics
Classification: Uncertain significance for Inborn genetic diseases. Last evaluated: 2022-12-19. Review status: criteria provided, single submitter. Criteria: Ambry Variant Classification Scheme 2023. Collection method: clinical testing. Allele origin: germline.

NM_022124.6(CDH23):c.8521G>A (p.Asp2841Asn)

Gene: CDH23 (cadherin related 23; plus strand). Cytogenetic location: 10q22.1.
Variant type: single nucleotide variant.
Coding change: c.8521G>A on transcript NM_022124.6 (MANE Select); coding-DNA position 8521, G replaced by A.
Protein change: p.Asp2841Asn; replaces aspartic acid 2841 with asparagine.
Molecular consequence: missense variant.
Genome position (GRCh38, 1-based): chr10:71,807,728, G>A. VCF-style: chr10-71807728-G-A. GRCh37 (hg19) VCF-style: chr10-73567485-G-A.
Other names: c.1801G>A, p.Asp601Asn (NM_001171933.1, NM_001171934.1); short protein forms D601N, D2841N.
Identifiers: ClinVar variation 2337444 (VCV002337444.10), dbSNP rs1032072622, ClinGen allele CA209437279.